The following is an entry in ClinVar:

NM_000642.3(AGL):c.525del (p.Ala176fs)

Gene: AGL (amylo-alpha-1,6-glucosidase and 4-alpha-glucanotransferase; plus strand). Cytogenetic location: 1p21.2.
Variant type: Deletion.
Coding change: c.525del on transcript NM_000642.3 (MANE Select); coding-DNA position 525, one base deleted (T; older notation c.525delT).
Protein change: p.Ala176fs; shifts the reading frame from alanine 176.
Molecular consequence: frameshift variant.
Genome position (GRCh38, 1-based): chr1:99,864,450, T deleted; the last of 2 consecutive T bases (chr1:99,864,449-99,864,450); deleting either gives the same sequence. VCF-style (leftmost placement, unchanged base first): chr1-99864448-CT-C. GRCh37 (hg19) VCF-style: chr1-100330004-CT-C.
Other names: c.525delT, p.Ala176Profs (NM_000643.3, NM_000644.3, NM_001425325.1 and 3 more transcripts); c.477delT, p.Ala160Profs (NM_000646.3); c.147delT, p.Ala50Profs (NM_001425332.1); short protein forms A176fs, A160fs.
Identifiers: ClinVar variation 640973 (VCV000640973.7), dbSNP rs1571232214, ClinGen allele CA915941354.

ClinVar aggregate classification (germline): Pathogenic (1 of 4 stars; one submission).

Conditions:
Glycogen storage disease type III (GSD3). Also called: FORBES DISEASE; Cori disease. Identifiers: Orphanet 366, MedGen C0017922, MONDO:0009291, OMIM 232400.

Submission:

Labcorp Genetics (formerly Invitae), Labcorp
Classification: Pathogenic for Glycogen storage disease type III. Last evaluated: 2022-03-13. Review status: criteria provided, single submitter. Criteria: Invitae Variant Classification Sherloc (09022015). Collection method: clinical testing. Allele origin: germline.
Comment: For these reasons, this variant has been classified as Pathogenic. This sequence change creates a premature translational stop signal (p.Ala176Profs*4) in the AGL gene. It is expected to result in an absent or disrupted protein product. Loss-of-function variants in AGL are known to be pathogenic (PMID: 19299494). This variant is not present in population databases (gnomAD no frequency). This variant has not been reported in the literature in individuals affected with AGL-related conditions. ClinVar contains an entry for this variant (Variation ID: 640973).

Literature cited by the submitters: PubMed 19299494.